The following is an entry in ClinVar:

NM_003108.4(SOX11):c.595G>C (p.Val199Leu)

Gene: SOX11 (SRY-box transcription factor 11; plus strand). Cytogenetic location: 2p25.2.
Variant type: single nucleotide variant.
Coding change: c.595G>C on transcript NM_003108.4 (MANE Select); coding-DNA position 595, G replaced by C.
Protein change: p.Val199Leu; replaces valine 199 with leucine.
Molecular consequence: missense variant.
Genome position (GRCh38, 1-based): chr2:5,693,316, G>C. VCF-style: chr2-5693316-G-C. GRCh37 (hg19) VCF-style: chr2-5833448-G-C.
Other names: short protein forms V199L.
Identifiers: ClinVar variation 3054736 (VCV003054736.6), dbSNP rs773695032, ClinGen allele CA1517864.

ClinVar aggregate classification (germline): Likely benign. Review status: criteria provided, multiple submitters, no conflicts (2 of 4 stars). 4 submissions from 4 submitters: Likely benign (3). 1 of the submissions does not count toward it. Last evaluated 2026-02-02.

Conditions:
SOX11-related disorder. Also called: SOX11-related condition.
Hypogonadotropic hypogonadism. Also called: Hypogonadotrophic hypogonadism; Isolated hypogonadotropic hypogonadism; Low gonadotropins (secondary hypogonadism); Hypogonadotropic hypogonadism with or without anosmia. Identifiers: Orphanet 432, MedGen C0271623, MONDO:0018555, HP:0000044.

Allele frequency attached by ClinVar (database versions not stated): gnomAD 0.00005; TOPMed 0.00005; ExAC 0.00012; 1000 Genomes Project 30x 0.00016.

Submissions (4):

Labcorp Genetics (formerly Invitae), Labcorp
Classification: Likely benign. Last evaluated: 2026-02-02. Review status: criteria provided, single submitter. Criteria: Invitae Variant Classification Sherloc (09022015). Collection method: clinical testing. Allele origin: germline.

Blueprint Genetics
Classification: Likely benign. Last evaluated: 2024-11-21. Review status: criteria provided, single submitter. Criteria: ACMG Guidelines, 2015. Collection method: clinical testing. Allele origin: germline.

Reproductive Endocrine Unit, Massachusetts General Hospital
Classification: Likely benign for HYPOGONADOTROPIC HYPOGONADISM. Last evaluated: 2024-06-25. Review status: criteria provided, single submitter. Criteria: ACMG Guidelines, 2015. Collection method: research. Allele origin: maternal. Affected: yes.
Comment: PP2,BP4,BP5,BP6

PreventionGenetics, part of Exact Sciences
Classification: Likely benign for SOX11-related condition. Last evaluated: 2023-02-15. Review status: no assertion criteria provided. Collection method: clinical testing. Allele origin: germline. Not counted in ClinVar's aggregate classification.
Comment: This variant is classified as likely benign based on ACMG/AMP sequence variant interpretation guidelines (Richards et al. 2015 PMID: 25741868, with internal and published modifications).